The following is an entry in ClinVar:

NC_000023.11:g.(?_32501745)_(32501852_?)dup

Gene: DMD (dystrophin; minus strand). Cytogenetic location: Xp21.1.
Variant type: Duplication.
Identifiers: ClinVar variation 831181 (VCV000831181.7).

ClinVar aggregate classification (germline): Likely pathogenic (1 of 4 stars; one submission).

Conditions:
Duchenne muscular dystrophy (DMD). Also called: Duchenne Muscular Dystrophy (DMD); MUSCULAR DYSTROPHY, PSEUDOHYPERTROPHIC PROGRESSIVE, DUCHENNE TYPE. Identifiers: Orphanet 98896, MedGen C0013264, MONDO:0010679, OMIM 310200.

Submission:

Labcorp Genetics (formerly Invitae), Labcorp
Classification: Likely pathogenic for Duchenne muscular dystrophy. Last evaluated: 2021-08-04. Review status: criteria provided, single submitter. Criteria: Invitae Variant Classification Sherloc (09022015). Collection method: clinical testing. Allele origin: germline.
Comment: This variant results in a copy number gain of the genomic region encompassing exon(s) 19 of the DMD gene. While the exact position of this variant cannot be determined from the data, sub-genic copy number gains are generally in tandem (PMID: 25640679). This variant is predicted to be out-of-frame, and may result in an absent or disrupted protein product. Loss-of-function variants in DMD are known to be pathogenic (PMID: 16770791, 25007885). A similar copy number variant has been observed in individual(s) with Duchenne muscular dystrophy (PMID: 17259292). In summary, the currently available evidence indicates that the variant is pathogenic, but additional data are needed to prove that conclusively. Therefore, this variant has been classified as Likely Pathogenic.

Literature cited by the submitters: PubMed 25640679; PubMed 16770791; PubMed 25007885; PubMed 17259292.